The following is an entry in ClinVar:

ClinVar aggregate classification (germline): Uncertain significance (1 of 4 stars; one submission).

Conditions:
Nephronophthisis 15 (NPHP15). Identifiers: Orphanet 3156, MedGen C3541853, MONDO:0013917, OMIM 614845.

Allele frequency attached by ClinVar (database versions not stated): gnomAD exomes below 0.00001 and 0.00001.

Submission:

Labcorp Genetics (formerly Invitae), Labcorp
Classification: Uncertain significance for Nephronophthisis 15. Last evaluated: 2022-11-01. Review status: criteria provided, single submitter. Criteria: Invitae Variant Classification Sherloc (09022015). Collection method: clinical testing. Allele origin: germline.
Comment: In summary, the available evidence is currently insufficient to determine the role of this variant in disease. Therefore, it has been classified as a Variant of Uncertain Significance. This sequence change replaces glutamic acid, which is acidic and polar, with aspartic acid, which is acidic and polar, at codon 604 of the CEP164 protein (p.Glu604Asp). This variant is present in population databases (no rsID available, gnomAD no frequency). This variant has not been reported in the literature in individuals affected with CEP164-related conditions. ClinVar contains an entry for this variant (Variation ID: 1393789). Advanced modeling of protein sequence and biophysical properties (such as structural, functional, and spatial information, amino acid conservation, physicochemical variation, residue mobility, and thermodynamic stability) performed at Invitae indicates that this missense variant is not expected to disrupt CEP164 protein function.

NM_014956.5(CEP164):c.1812G>T (p.Glu604Asp)

Gene: CEP164 (centrosomal protein 164; plus strand). Cytogenetic location: 11q23.3.
Variant type: single nucleotide variant.
Coding change: c.1812G>T on transcript NM_014956.5 (MANE Select); coding-DNA position 1812, G replaced by T.
Protein change: p.Glu604Asp; replaces glutamic acid 604 with aspartic acid.
Molecular consequence: missense variant.
Genome position (GRCh38, 1-based): chr11:117,387,290, G>T. VCF-style: chr11-117387290-G-T. GRCh37 (hg19) VCF-style: chr11-117258006-G-T.
Other names: c.1821G>T, p.Glu607Asp (NM_001271933.2); short protein forms E604D, E607D.
Identifiers: ClinVar variation 1393789 (VCV001393789.6), dbSNP rs1222181370, ClinGen allele CA382717473.